The following is an entry in ClinVar:

ClinVar aggregate classification (germline): Uncertain significance. Review status: criteria provided, multiple submitters, no conflicts (2 of 4 stars). 2 submissions from 2 submitters: Uncertain significance (2). Last evaluated 2024-11-27.

Conditions:
Saldino-Mainzer syndrome (SRTD9). Also called: short-rib thoracic dysplasia 9 with or without polydactyly; CONORENAL SYNDROME; Renal dysplasia, retinal pigmentary dystrophy, cerebellar ataxia and skeletal dysplasia; SHORT-RIB THORACIC DYSPLASIA 9 WITHOUT POLYDACTYLY. Identifiers: Orphanet 140969, MedGen C1849437, MONDO:0009964, OMIM 266920.

gnomAD v4.1: 16 of 1,613,306 alleles (0.00099%); highest among the groups gnomAD compares: Non-Finnish European, 0.0014%; no homozygotes.

Submissions (2):

Blueprint Genetics
Classification: Uncertain significance. Last evaluated: 2024-11-27. Review status: criteria provided, single submitter. Criteria: ACMG Guidelines, 2015. Collection method: clinical testing. Allele origin: germline.

Labcorp Genetics (formerly Invitae), Labcorp
Classification: Uncertain significance for Saldino-Mainzer syndrome. Last evaluated: 2024-03-05. Review status: criteria provided, single submitter. Criteria: Invitae Variant Classification Sherloc (09022015). Collection method: clinical testing. Allele origin: germline.
Comment: This sequence change falls in intron 7 of the IFT140 gene. It does not directly change the encoded amino acid sequence of the IFT140 protein. It affects a nucleotide within the consensus splice site. This variant is not present in population databases (gnomAD no frequency). This variant has not been reported in the literature in individuals affected with IFT140-related conditions. Variants that disrupt the consensus splice site are a relatively common cause of aberrant splicing (PMID: 17576681, 9536098). Algorithms developed to predict the effect of sequence changes on RNA splicing suggest that this variant may disrupt the consensus splice site. In summary, the available evidence is currently insufficient to determine the role of this variant in disease. Therefore, it has been classified as a Variant of Uncertain Significance.

Literature cited by the submitters: PubMed 17576681 (cited by Labcorp Genetics (formerly Invitae), Labcorp); PubMed 9536098 (cited by Labcorp Genetics (formerly Invitae), Labcorp).

NM_014714.4(IFT140):c.811-3C>G

Genes: IFT140 (intraflagellar transport 140; minus strand), LOC105371046 (uncharacterized LOC105371046; plus strand). Cytogenetic location: 16p13.3.
Variant type: single nucleotide variant.
Coding change: c.811-3C>G on transcript NM_014714.4 (MANE Select); 3 bases into the intron before coding-DNA position 811, C replaced by G.
Molecular consequence: intron variant.
Genome position (GRCh38, 1-based): chr16:1,588,027, G>C on the plus strand (C>G on the coding strand, the complement: IFT140 is on the minus strand). VCF-style: chr16-1588027-G-C. GRCh37 (hg19) VCF-style: chr16-1638028-G-C.
Identifiers: ClinVar variation 3685764 (VCV003685764.3).